The following is an entry in ClinVar:

NM_001943.5(DSG2):c.523+1G>C

Gene: DSG2 (desmoglein 2; plus strand). Cytogenetic location: 18q12.1.
Variant type: single nucleotide variant.
Coding change: c.523+1G>C on transcript NM_001943.5 (MANE Select); the canonical splice donor site of the intron after coding-DNA position 523, G replaced by C.
Molecular consequence: splice donor variant.
Genome position (GRCh38, 1-based): chr18:31,521,244, G>C. VCF-style: chr18-31521244-G-C. GRCh37 (hg19) VCF-style: chr18-29101207-G-C.
Identifiers: ClinVar variation 188450 (VCV000188450.16), dbSNP rs553299589, ClinGen allele CA022140.
Genomic context (GRCh38, chr18:31,521,244, plus strand): 5'-ACGAACCAGTGTTCACACAGGATGTCTTTGTTGGGTCTGTTGAAGAGTTGAGTGCAGCAC[G>C]TAAGAGTCTTTTTTTTTTTTTTTAATAAATAAATACCTAAGATTACTTTATCCCCACTGT-3'

ClinVar aggregate classification (germline): Conflicting classifications of pathogenicity. Review status: criteria provided, conflicting classifications (1 of 4 stars). 6 submissions from 6 submitters: Pathogenic (1); Likely pathogenic (3); Uncertain significance (1). 1 of the submissions does not count toward it. Last evaluated 2025-10-29.

Conditions:
Cardiovascular phenotype. Identifiers: MedGen CN230736.
Arrhythmogenic right ventricular dysplasia 10. Also called: Arrhythmogenic right ventricular dysplasia/cardiomyopathy, type 10; Arrhythmogenic Right Ventricular Dysplasia/Cardiomyopathy10; ARRHYTHMOGENIC RIGHT VENTRICULAR DYSPLASIA, FAMILIAL, 10. Identifiers: MedGen C1857777, MONDO:0012434, OMIM 610193.
Dilated cardiomyopathy 1BB (CMD1BB). Also called: CARDIOMYOPATHY, DILATED, 1BB, SUSCEPTIBILITY TO. Identifiers: Orphanet 154, MedGen C2752072, MONDO:0013030, OMIM 612877.
Arrhythmogenic right ventricular cardiomyopathy (ARVD). Also called: Arrhythmogenic cardiomyopathy; Arrhythmogenic Right Ventricular Cardiomyopathy (ARVC); Cardiomyopathy, ARVC; Arrhythmogenic right ventricular dysplasia. Identifiers: Orphanet 247, MedGen C0349788, MeSH D019571, MONDO:0016587. Disease mechanism: loss of function. Inheritance: Various modes of inheritance.
Cardiomyopathy (CMYO). Also called: Cardiomyopathies. Identifiers: Orphanet 167848, MedGen C0878544, MONDO:0004994, HP:0001638. Inheritance: Various modes of inheritance.

Allele frequency attached by ClinVar (database versions not stated): gnomAD 0.00001; 1000 Genomes Project 30x 0.00016; 1000 Genomes Project 0.00020.
gnomAD v4.1: 17 of 1,602,634 alleles (0.0011%); highest among the groups gnomAD compares: South Asian, 0.011%; no homozygotes.

Submissions (6):

Labcorp Genetics (formerly Invitae), Labcorp
Classification: Pathogenic for Arrhythmogenic right ventricular dysplasia 10. Last evaluated: 2025-10-29. Review status: criteria provided, single submitter. Criteria: Invitae Variant Classification Sherloc (09022015). Collection method: clinical testing. Allele origin: germline.
Comment: This sequence change affects a donor splice site in intron 5 of the DSG2 gene. It is expected to disrupt RNA splicing. Variants that disrupt the donor or acceptor splice site typically lead to a loss of protein function (PMID: 16199547), and loss-of-function variants in DSG2 are known to be pathogenic (PMID: 17105751, 31386562). This variant is present in population databases (rs553299589, gnomAD 0.01%). Disruption of this splice site has been observed in individuals with arrhythmogenic right ventricular cardiomyopathy (PMID: 27532257, 30790397; internal data). ClinVar contains an entry for this variant (Variation ID: 188450). Algorithms developed to predict the effect of sequence changes on RNA splicing suggest that this variant may disrupt the consensus splice site. For these reasons, this variant has been classified as Pathogenic.

GeneDx
Classification: Likely pathogenic. Last evaluated: 2025-08-04. Review status: criteria provided, single submitter. Criteria: GeneDx Variant Classification Process June 2021. Collection method: clinical testing. Allele origin: germline. Affected: yes.
Comment: Identified by exome sequencing in an individual with ARVC; however, detailed clinical information was not provided (PMID: 36264615); Identified as an incidental finding in patients without a clinical diagnosis of ARVC (PMID: 26822237, 31638835); Canonical splice site variant predicted to result in a null allele in a gene for which loss of function is a known mechanism of disease; Not observed at significant frequency in large population cohorts (gnomAD); This variant is associated with the following publications: (PMID: 31638835, 31402444, 26822237, 36264615, 33587123)

All of Us Research Program, National Institutes of Health
Classification: Uncertain significance for Arrhythmogenic right ventricular cardiomyopathy. Last evaluated: 2025-06-04. Review status: criteria provided, single submitter. Criteria: ACMG Guidelines, 2015. Collection method: clinical testing. Allele origin: germline. Inheritance: Autosomal dominant inheritance. Observed: 1 variant allele, 1 heterozygote.
Comment: This variant causes a G to C nucleotide substitution at the +1 position of intron 5 of the DSG2 gene. Splice prediction tools suggest that this variant may have a significant impact on splicing. To our knowledge, functional studies have not been reported for this variant. This variant has not been reported in individuals affected with cardiovascular disorders in the literature. This variant has been identified in 3/238030 chromosomes in the general population by the Genome Aggregation Database (gnomAD). Although there is a suspicion for a pathogenic role, clinical significance of loss-of-function DSG2 variants in autosomal dominant arrhythmogenic cardiomyopathy is not yet clearly established. The available evidence is insufficient to determine the role of this variant in disease conclusively. Therefore, this variant is classified as a Variant of Uncertain Significance.

This study involves interpretation of variants in research participants for the purpose of population health screening. Participant phenotype was not available at the time of variant classification. Additional details can be found in publication PMID: 35346344, PMCID: PMC8962531

Ambry Genetics
Classification: Likely pathogenic for Cardiovascular phenotype. Last evaluated: 2024-04-05. Review status: criteria provided, single submitter. Criteria: Ambry Variant Classification Scheme 2023. Collection method: clinical testing. Allele origin: germline.
Comment: The c.523+1G>C intronic variant results from a G to C substitution one nucleotide after coding exon 5 of the DSG2 gene. This variant has been reported in an individual indicated as having arrhythmogenic right ventricular cardiomyopathy, but clinical details were limited (Bourfiss M et al. Circ Genom Precis Med, 2022 Dec;15:e003704). Another alteration affecting this nucleotide (c.523+1G>A) was detected in a cohort referred for arrhythmogenic right ventricular cardiomyopathy (ARVC) genetic testing, and was also detected in a sudden cardiac arrest cohort (Walsh R et al. Genet. Med., 2017 02;19:192-203; Mellor G et al. Circ Cardiovasc Genet, 2017;10:e001686). This nucleotide position is highly conserved in available vertebrate species. In silico splice site analysis predicts that this alteration will weaken the native splice donor site and may result in the creation or strengthening of a novel splice donor site. Alterations that disrupt the canonical splice site are expected to cause aberrant splicing, resulting in an abnormal protein or a transcript that is subject to nonsense-mediated mRNA decay. As such, this alteration is classified as likely pathogenic.

CHEO Genetics Diagnostic Laboratory, Children's Hospital of Eastern Ontario
Classification: Likely pathogenic for Cardiomyopathy. Last evaluated: 2020-03-30. Review status: criteria provided, single submitter. Criteria: ACMG Guidelines, 2015. Collection method: clinical testing. Allele origin: germline.

Donald Williams Parsons Laboratory, Baylor College of Medicine
Classification: Pathogenic for Arrhythmogenic right ventricular dysplasia 10; Dilated cardiomyopathy 1BB. Last evaluated: 2014-09-17. Review status: no assertion criteria provided. Collection method: research. Allele origin: germline. Inheritance: Autosomal dominant inheritance. Observed: 1 variant allele, 1 heterozygote. Study: CSER-BASIC3. Not counted in ClinVar's aggregate classification.
Comment: This splice site variant is categorized as deleterious according to ACMG guidelines (PMID:18414213).

Literature cited by the submitters: PubMed 16199547 (cited by Labcorp Genetics (formerly Invitae), Labcorp); PubMed 17105751 (cited by Labcorp Genetics (formerly Invitae), Labcorp); PubMed 31386562 (cited by Labcorp Genetics (formerly Invitae), Labcorp); PubMed 27532257 (cited by Labcorp Genetics (formerly Invitae), Labcorp); PubMed 30790397 (cited by Labcorp Genetics (formerly Invitae), Labcorp); PubMed 36264615 (cited by Ambry Genetics); PubMed 26822237 (cited by Donald Williams Parsons Laboratory, Baylor College of Medicine).